The following is an entry in ClinVar:

NM_000492.4(CFTR):c.4313G>A (p.Arg1438Gln)

Genes: CFTR (CF transmembrane conductance regulator; plus strand), LOC111674477 (CFTR intron 23 enhancer; plus strand). Cytogenetic location: 7q31.2.
Variant type: single nucleotide variant.
Coding change: c.4313G>A on transcript NM_000492.4 (MANE Select); coding-DNA position 4313, G replaced by A.
Protein change: p.Arg1438Gln; replaces arginine 1438 with glutamine.
Molecular consequence: missense variant.
Genome position (GRCh38, 1-based): chr7:117,666,978, G>A. VCF-style: chr7-117666978-G-A. GRCh37 (hg19) VCF-style: chr7-117307032-G-A.
Other names: short protein forms R1438Q.
Identifiers: ClinVar variation 632769 (VCV000632769.14), dbSNP rs975983947, ClinGen allele CA164961790.

ClinVar aggregate classification (germline): Uncertain significance. Review status: criteria provided, multiple submitters, no conflicts (2 of 4 stars). 5 submissions from 5 submitters: Uncertain significance (4). 1 of the submissions does not count toward it. Last evaluated 2025-06-30.

Conditions:
CFTR-related disorder (CFTR-RD). Also called: CFTR-related condition; CFTR-related disorders. Identifiers: MedGen C5924204, MONDO:7770004.
Cystic fibrosis (CF). Also called: MUCOVISCIDOSIS. Identifiers: Orphanet 586, MedGen C0010674, MONDO:0009061, OMIM 219700. Disease mechanism: loss of function.

Allele frequency attached by ClinVar (database versions not stated): gnomAD 0.00001; TOPMed 0.00002.
gnomAD v4.1: 20 of 1,613,884 alleles (0.0012%); highest among the groups gnomAD compares: Non-Finnish European, 0.0014%; no homozygotes.

Submissions (5):

Labcorp Genetics (formerly Invitae), Labcorp
Classification: Uncertain significance for Cystic fibrosis. Last evaluated: 2025-06-30. Review status: criteria provided, single submitter. Criteria: Invitae Variant Classification Sherloc (09022015). Collection method: clinical testing. Allele origin: germline.
Comment: This sequence change replaces arginine, which is basic and polar, with glutamine, which is neutral and polar, at codon 1438 of the CFTR protein (p.Arg1438Gln). This variant is not present in population databases (gnomAD no frequency). This missense change has been observed in individual(s) with a positive newborn screening result for CFTR-related disease (PMID: 28194692). ClinVar contains an entry for this variant (Variation ID: 632769). Invitae Evidence Modeling of protein sequence and biophysical properties (such as structural, functional, and spatial information, amino acid conservation, physicochemical variation, residue mobility, and thermodynamic stability) indicates that this missense variant is not expected to disrupt CFTR protein function with a negative predictive value of 80%. In summary, the available evidence is currently insufficient to determine the role of this variant in disease. Therefore, it has been classified as a Variant of Uncertain Significance.

Women's Health and Genetics/Laboratory Corporation of America, LabCorp
Classification: Uncertain significance. Last evaluated: 2024-09-12. Review status: criteria provided, single submitter. Criteria: LabCorp Variant Classification Summary - May 2015. Collection method: clinical testing. Allele origin: germline.
Comment: Variant summary: CFTR c.4313G>A (p.Arg1438Gln) results in a conservative amino acid change located in the ABC transporter-like domain (IPR003439) of the encoded protein sequence. Five of five in-silico tools predict a benign effect of the variant on protein function. The variant was absent in 250892 control chromosomes. The available data on variant occurrences in the general population are insufficient to allow any conclusion about variant significance. c.4313G>A has been reported in the literature with (TG)12-5T/(TG)10-7T in a patient with abnormal newborn screen and no additional clinical data who was lost to follow-up (Ratkiewicz_2017). These report(s) do not provide unequivocal conclusions about association of the variant with Cystic Fibrosis. To our knowledge, no experimental evidence demonstrating an impact on protein function has been reported. The following publication has been ascertained in the context of this evaluation (PMID: 28194692). ClinVar contains an entry for this variant (Variation ID: 632769). Based on the evidence outlined above, the variant was classified as uncertain significance.

Ambry Genetics
Classification: Uncertain significance for Cystic fibrosis. Last evaluated: 2024-05-16. Review status: criteria provided, single submitter. Criteria: Ambry Variant Classification Scheme 2023. Collection method: clinical testing. Allele origin: germline.
Comment: The p.R1438Q variant (also known as c.4313G>A), located in coding exon 27 of the CFTR gene, results from a G to A substitution at nucleotide position 4313. The arginine at codon 1438 is replaced by glutamine, an amino acid with highly similar properties. This amino acid position is not well conserved in available vertebrate species. In addition, this alteration is predicted to be tolerated by in silico analysis. Based on the available evidence, the clinical significance of this variant remains unclear.

Genome-Nilou Lab
Classification: Uncertain significance for Cystic fibrosis. Last evaluated: 2021-09-05. Review status: criteria provided, single submitter. Criteria: ACMG Guidelines, 2015. Collection method: clinical testing. Allele origin: germline. Affected: no.

Natera, Inc.
Classification: Uncertain significance for CFTR-related disorders. Last evaluated: 2018-06-23. Review status: no assertion criteria provided. Collection method: clinical testing. Allele origin: germline. Not counted in ClinVar's aggregate classification.

Literature cited by the submitters: PubMed 28194692 (cited by Labcorp Genetics (formerly Invitae), Labcorp and Women's Health and Genetics/Laboratory Corporation of America, LabCorp).